The following is an entry in ClinVar:

ClinVar aggregate classification (germline): Uncertain significance (1 of 4 stars; one submission).

Conditions:
Landau-Kleffner syndrome (FESD). Also called: APHASIA, ACQUIRED, WITH EPILEPSY; EPILEPSY, FOCAL, WITH SPEECH DISORDER AND WITH OR WITHOUT MENTAL RETARDATION. Identifiers: Orphanet 1945, Orphanet 725, Orphanet 98818, MedGen C0282512, MONDO:0009509, OMIM 245570.

Allele frequency attached by ClinVar (database versions not stated): gnomAD exomes below 0.00001.
gnomAD v4.1: 2 of 1,612,004 alleles (0.00012%); highest among the groups gnomAD compares: Non-Finnish European, 0.00017%; no homozygotes.

Submission:

Labcorp Genetics (formerly Invitae), Labcorp
Classification: Uncertain significance for Landau-Kleffner syndrome. Last evaluated: 2020-10-03. Review status: criteria provided, single submitter. Criteria: Invitae Variant Classification Sherloc (09022015). Collection method: clinical testing. Allele origin: germline.
Comment: In summary, the available evidence is currently insufficient to determine the role of this variant in disease. Therefore, it has been classified as a Variant of Uncertain Significance. This variant has been observed in individual(s) with clinical features of epileptic encephalopathy (PMID: 28109652, Invitae). Algorithms developed to predict the effect of sequence changes on RNA splicing suggest that this variant may create or strengthen a splice site, but this prediction has not been confirmed by published transcriptional studies. This sequence change affects codon 443 of the GRIN2A mRNA. It is a 'silent' change, meaning that it does not change the encoded amino acid sequence of the GRIN2A protein. This variant is not present in population databases (ExAC no frequency).

Literature cited by the submitters: PubMed 28109652.

NM_001134407.3(GRIN2A):c.1329C>T (p.Asn443=)

Gene: GRIN2A (glutamate ionotropic receptor NMDA type subunit 2A; minus strand). Cytogenetic location: 16p13.2.
Variant type: single nucleotide variant.
Coding change: c.1329C>T on transcript NM_001134407.3 (MANE Select); coding-DNA position 1329, C replaced by T.
Protein change: p.Asn443=; no amino-acid change (asparagine 443 retained).
Molecular consequence: synonymous variant.
Genome position (GRCh38, 1-based): chr16:9,841,104, G>A on the plus strand (C>T on the coding strand, the complement: GRIN2A is on the minus strand). VCF-style: chr16-9841104-G-A. GRCh37 (hg19) VCF-style: chr16-9934961-G-A.
Other names: c.1329C>T, p.Asn443= (NM_000833.5, NM_001134408.2).
Identifiers: ClinVar variation 1001042 (VCV001001042.5), dbSNP rs779642527, ClinGen allele CA278181489.